The following is an entry in ClinVar:

NM_001267550.2(TTN):c.37066G>C (p.Glu12356Gln)

Gene: TTN (titin; minus strand). Cytogenetic location: 2q31.2.
Variant type: single nucleotide variant.
Coding change: c.37066G>C on transcript NM_001267550.2 (MANE Select); coding-DNA position 37066, G replaced by C.
Protein change: p.Glu12356Gln; replaces glutamic acid 12356 with glutamine.
Molecular consequence: missense variant. On other transcripts: intron variant (5).
Genome position (GRCh38, 1-based): chr2:178,662,196, C>G on the plus strand (G>C on the coding strand, the complement: TTN is on the minus strand). VCF-style: chr2-178662196-C-G. GRCh37 (hg19) VCF-style: chr2-179526923-C-G.
Other names: c.13283-19879G>C (NM_003319.4); c.13859-19879G>C (NM_133437.4); c.13658-19879G>C (NM_133432.3); c.31573+770G>C (NM_133378.4); c.34354+770G>C (NM_001256850.1); short protein forms E12356Q.
Identifiers: ClinVar variation 4988869 (VCV004988869.1).

ClinVar aggregate classification (germline): Uncertain significance (1 of 4 stars; one submission).

Conditions:
TTN-related disorder. Also called: TTN-related disorders; TTN-related condition; TTN-related disease.

Submission:

PreventionGenetics, part of Exact Sciences
Classification: Uncertain significance for TTN-related condition. Last evaluated: 2026-06-23. Review status: criteria provided, single submitter. Criteria: ACMG Guidelines, 2015. Collection method: clinical testing. Allele origin: germline.
Comment: The TTN c.37066G>C variant is predicted to result in the amino acid substitution p.Glu12356Gln. To our knowledge, this variant has not been reported in the literature. This variant is reported in 0.014% of alleles in individuals of European (Non-Finnish) descent in gnomAD. This variant falls within a highly paralogous region, and therefore allele frequency data should be interpreted with caution. At this time, the clinical significance of this variant is uncertain due to the absence of conclusive functional and genetic evidence.